The following is an entry in ClinVar:

ClinVar aggregate classification (germline): Uncertain significance (1 of 4 stars; one submission).

gnomAD v4.1: 2 of 1,596,884 alleles (0.00013%); highest among the groups gnomAD compares: African/African-American, 0.0027%; no homozygotes.

Submission:

Labcorp Genetics (formerly Invitae), Labcorp
Classification: Uncertain significance. Last evaluated: 2024-11-18. Review status: criteria provided, single submitter. Criteria: Invitae Variant Classification Sherloc (09022015). Collection method: clinical testing. Allele origin: germline.
Comment: This sequence change replaces glutamine, which is neutral and polar, with arginine, which is basic and polar, at codon 787 of the SETD5 protein (p.Gln787Arg). The frequency data for this variant in the population databases is considered unreliable, as metrics indicate poor data quality at this position in the gnomAD database. This variant has not been reported in the literature in individuals affected with SETD5-related conditions. Invitae Evidence Modeling of protein sequence and biophysical properties (such as structural, functional, and spatial information, amino acid conservation, physicochemical variation, residue mobility, and thermodynamic stability) indicates that this missense variant is not expected to disrupt SETD5 protein function with a negative predictive value of 80%. In summary, the available evidence is currently insufficient to determine the role of this variant in disease. Therefore, it has been classified as a Variant of Uncertain Significance.

NM_001080517.3(SETD5):c.2360A>G (p.Gln787Arg)

Gene: SETD5 (SET domain containing 5; plus strand). Cytogenetic location: 3p25.3.
Variant type: single nucleotide variant.
Coding change: c.2360A>G on transcript NM_001080517.3 (MANE Select); coding-DNA position 2360, A replaced by G.
Protein change: p.Gln787Arg; replaces glutamine 787 with arginine.
Molecular consequence: missense variant.
Genome position (GRCh38, 1-based): chr3:9,453,752, A>G. VCF-style: chr3-9453752-A-G. GRCh37 (hg19) VCF-style: chr3-9495436-A-G.
Other names: c.2066A>G, p.Gln689Arg (NM_001292043.2, NM_001349451.2); short protein forms Q787R, Q689R.
Identifiers: ClinVar variation 3668185 (VCV003668185.2).